The following is an entry in ClinVar:

ClinVar aggregate classification (germline): Uncertain significance (1 of 4 stars; one submission).

Submission:

GeneDx
Classification: Uncertain significance. Last evaluated: 2019-08-06. Review status: criteria provided, single submitter. Criteria: GeneDx Variant Classification Process June 2021. Collection method: clinical testing. Allele origin: germline. Affected: yes.
Comment: Not observed in large population cohorts (Lek et al., 2016); In silico analysis, which includes protein predictors and evolutionary conservation, supports a deleterious effect; Has not been previously published as pathogenic or benign to our knowledge

NM_001190274.2(FBXO11):c.1286C>A (p.Ser429Tyr)

Gene: FBXO11 (F-box protein 11; minus strand). Cytogenetic location: 2p16.3.
Variant type: single nucleotide variant.
Coding change: c.1286C>A on transcript NM_001190274.2 (MANE Select); coding-DNA position 1286, C replaced by A.
Protein change: p.Ser429Tyr; replaces serine 429 with tyrosine.
Molecular consequence: missense variant.
Genome position (GRCh38, 1-based): chr2:47,832,461, G>T on the plus strand (C>A on the coding strand, the complement: FBXO11 is on the minus strand). VCF-style: chr2-47832461-G-T. GRCh37 (hg19) VCF-style: chr2-48059600-G-T.
Other names: c.1034C>A, p.Ser345Tyr (NM_001374325.1, NM_025133.4); short protein forms S345Y, S429Y.
Identifiers: ClinVar variation 1215821 (VCV001215821.3), dbSNP rs773388275, ClinGen allele CA346765417.
Genomic context (GRCh38, chr2:47,832,461, plus strand): 5'-TTCCGTCTAATAATTGGGTTTCCATGATTTTTAACCCAAATCCCAGCTAACGCATTATTG[G>T]AAATTTCATTATCCTCATATATTCCCTACAACAAGTTATCAGAAACAAACATCAGTAGAG-3'
Protein context (NP_001177203.1, residues 419-439): AQGIYEDNEI[Ser429Tyr]NNALAGIWVK